The following is an entry in ClinVar:

NM_000515.5(GH1):c.172-1G>A

Genes: GH-LCR (growth hormone locus control region; plus strand), GH1 (growth hormone 1; minus strand). Cytogenetic location: 17q23.3.
Variant type: single nucleotide variant.
Coding change: c.172-1G>A on transcript NM_000515.5 (MANE Select); the canonical splice acceptor site of the intron before coding-DNA position 172, G replaced by A.
Molecular consequence: splice acceptor variant. On other transcripts: intron variant (2).
Genome position (GRCh38, 1-based): chr17:63,918,137, C>T on the plus strand (G>A on the coding strand, the complement: GH1 is on the minus strand). VCF-style: chr17-63918137-C-T. GRCh37 (hg19) VCF-style: chr17-61995497-C-T.
Other names: c.171+209G>A (NM_022560.4); c.172-46G>A (NM_022559.4).
Identifiers: ClinVar variation 3063968 (VCV003063968.2), dbSNP rs2509251319, ClinGen allele CA400612713.

ClinVar aggregate classification (germline): Pathogenic/Likely pathogenic. Review status: criteria provided, multiple submitters, no conflicts (2 of 4 stars). 2 submissions from 2 submitters: Pathogenic (1); Likely pathogenic (1). Last evaluated 2024-02-03.

Conditions:
Idiopathic growth hormone deficiency (IGHD). Identifiers: MedGen C0342381.

Submissions (2):

GeneDx
Classification: Likely pathogenic. Last evaluated: 2024-02-03. Review status: criteria provided, single submitter. Criteria: GeneDx Variant Classification Process June 2021. Collection method: clinical testing. Allele origin: germline. Affected: yes.
Comment: Reported as c.172-1 G>A in a patient with short stature and severe idiopathic growth hormone deficiency in the published literature (PMID: 12655557); Not observed at significant frequency in large population cohorts (gnomAD); Canonical splice site variant in a gene or region of a gene for which loss of function is not a well-established mechanism of disease; This variant is associated with the following publications: (PMID: 25525159, 12655557)

Women's Health and Genetics/Laboratory Corporation of America, LabCorp
Classification: Pathogenic for Idiopathic growth hormone deficiency. Last evaluated: 2024-01-18. Review status: criteria provided, single submitter. Criteria: LabCorp Variant Classification Summary - May 2015. Collection method: clinical testing. Allele origin: germline.
Comment: Variant summary: GH1 c.172-1G>A is located in a canonical splice-site and is predicted to affect mRNA splicing resulting in a significantly altered protein due to either exon skipping, shortening, or inclusion of intronic material. Several computational tools predict a significant impact on normal splicing: Four predict the variant abolishes a canonical 3' acceptor site, and two predict the variant creates a crypic 3' acceptor site. At least one publication reports experimental evidence that this variant affects mRNA splicing (Millar_2003). The variant was absent in 251348 control chromosomes (gnomAD). c.172-1G>A has been reported in the literature in an individual affected with Idiopathic Growth Hormone Deficiency (Millar_2004). The following publications have been ascertained in the context of this evaluation (PMID: 12655557, 17178704). No submitters have cited clinical-significance assessments for this variant to ClinVar. Based on the evidence outlined above, the variant was classified as pathogenic.

Literature cited by the submitters: PubMed 12655557 (cited by Women's Health and Genetics/Laboratory Corporation of America, LabCorp); PubMed 17178704 (cited by Women's Health and Genetics/Laboratory Corporation of America, LabCorp).